The following is an entry in ClinVar:

ClinVar aggregate classification (germline): Likely pathogenic (1 of 4 stars; one submission).

Conditions:
Migraine, familial hemiplegic, 1. Also called: MIGRAINE, FAMILIAL HEMIPLEGIC 1, WITH PROGRESSIVE CEREBELLAR ATAXIA. Identifiers: Orphanet 569, MedGen C1832884, MONDO:0020756, OMIM 141500, MONDO:0007714.

Submission:

Centre for Mendelian Genomics, University Medical Centre Ljubljana
Classification: Likely pathogenic for Migraine, familial hemiplegic, 1. Last evaluated: 2016-01-01. Review status: criteria provided, single submitter. Criteria: ACMG Guidelines, 2015. Collection method: clinical testing. Allele origin: unknown. Affected: yes.
Comment: This variant was classified as: Likely pathogenic. The following ACMG criteria were applied in classifying this variant: PVS1,PM2.

NM_001127222.2(CACNA1A):c.3631G>T (p.Glu1211Ter)

Gene: CACNA1A (calcium voltage-gated channel subunit alpha1 A; minus strand). Cytogenetic location: 19p13.13.
Variant type: single nucleotide variant.
Coding change: c.3631G>T on transcript NM_001127222.2 (MANE Select); coding-DNA position 3631, G replaced by T.
Protein change: p.Glu1211Ter; replaces glutamic acid 1211 with a stop codon.
Molecular consequence: nonsense.
Genome position (GRCh38, 1-based): chr19:13,285,129, C>A on the plus strand (G>T on the coding strand, the complement: CACNA1A is on the minus strand). VCF-style: chr19-13285129-C-A. GRCh37 (hg19) VCF-style: chr19-13395943-C-A.
Other names: c.3643G>T, p.Glu1215Ter (NM_000068.4, NM_023035.3); c.3634G>T, p.Glu1212Ter (NM_001127221.2, NM_001174080.2); short protein forms E1212*, E1211*, E1215*.
Identifiers: ClinVar variation 931418 (VCV000931418.3), dbSNP rs2057372365, ClinGen allele CA404340954.